The following is an entry in ClinVar:

ClinVar aggregate classification (germline): Benign/Likely benign. Review status: criteria provided, multiple submitters, no conflicts (2 of 4 stars). 10 submissions from 10 submitters: Benign (4); Likely benign (3). 3 of the submissions do not count toward it. Last evaluated 2026-02-01.

Conditions:
KCNQ4-related disorder. Also called: KCNQ4-related condition.
Autosomal dominant nonsyndromic hearing loss 2A. Also called: DFNA2 Nonsyndromic Hearing Loss; Deafness, autosomal dominant 2A; Autosomal dominant nonsyndromic deafness 2A. Identifiers: Orphanet 90635, MedGen C2677637, MONDO:0010817, OMIM 600101.

Allele frequency attached by ClinVar (database versions not stated): 1000 Genomes Project 0.00080; 1000 Genomes Project 30x 0.00109; gnomAD exomes 0.00186 and 0.00329; ESP Exome Variant Server 0.00204; gnomAD 0.00212 and 0.00222; TOPMed 0.00269; ExAC 0.00318.
gnomAD v4.1: 4,953 of 1,568,878 alleles (0.32%); highest among the groups gnomAD compares: Non-Finnish European, 0.39%; 12 homozygotes.

Submissions (10):

CeGaT Center for Human Genetics Tuebingen
Classification: Benign. Last evaluated: 2026-02-01. Review status: criteria provided, single submitter. Criteria: CeGaT Center For Human Genetics Tuebingen Variant Classification Criteria Version 2. Collection method: clinical testing. Allele origin: germline. Affected: yes. Observed: 4 variant alleles.
Comment: KCNQ4: BP4, BS1, BS2

Labcorp Genetics (formerly Invitae), Labcorp
Classification: Benign. Last evaluated: 2025-12-08. Review status: criteria provided, single submitter. Criteria: Invitae Variant Classification Sherloc (09022015). Collection method: clinical testing. Allele origin: germline.

Blueprint Genetics
Classification: Likely benign. Last evaluated: 2024-11-25. Review status: criteria provided, single submitter. Criteria: ACMG Guidelines, 2015. Collection method: clinical testing. Allele origin: germline.

Genome-Nilou Lab
Classification: Likely benign for Autosomal dominant nonsyndromic hearing loss 2A. Last evaluated: 2023-04-11. Review status: criteria provided, single submitter. Criteria: ACMG Guidelines, 2015. Collection method: clinical testing. Allele origin: germline. Affected: no.

GeneDx
Classification: Likely benign. Last evaluated: 2021-04-26. Review status: criteria provided, single submitter. Criteria: GeneDx Variant Classification Process June 2021. Collection method: clinical testing. Allele origin: germline. Affected: yes.
Comment: This variant is associated with the following publications: (PMID: 10571947)

Athena Diagnostics
Classification: Benign. Last evaluated: 2018-11-09. Review status: criteria provided, single submitter. Criteria: Athena Diagnostics Criteria. Collection method: clinical testing. Allele origin: germline.

Laboratory for Molecular Medicine, Mass General Brigham Personalized Medicine
Classification: Benign. Last evaluated: 2015-04-30. Review status: criteria provided, single submitter. Criteria: LMM Criteria. Collection method: clinical testing. Allele origin: germline. Observed: 6 variant alleles.
Comment: p.Pro396Pro in exon 09 of KCNQ4: This variant is not expected to have clinical s ignificance because it does not alter an amino acid residue, is not located with in the splice consensus sequence, and has been identified in 0.7% (55/8302) of E uropean chromosomes by the Exome Aggregation Consortium (ExAC; dbSNP rs189541861).

PreventionGenetics, part of Exact Sciences
Classification: Likely benign for KCNQ4-related condition. Last evaluated: 2020-01-24. Review status: no assertion criteria provided. Collection method: clinical testing. Allele origin: germline. Not counted in ClinVar's aggregate classification.
Comment: This variant is classified as likely benign based on ACMG/AMP sequence variant interpretation guidelines (Richards et al. 2015 PMID: 25741868, with internal and published modifications).

Clinical Genetics DNA and cytogenetics Diagnostics Lab, Erasmus MC, Erasmus Medical Center
Classification: Likely benign. Review status: no assertion criteria provided. Collection method: clinical testing. Allele origin: germline. Affected: yes. Study: VKGL Data-share Consensus. Not counted in ClinVar's aggregate classification.

Joint Genome Diagnostic Labs from Nijmegen and Maastricht, Radboudumc and MUMC+
Classification: Benign. Review status: no assertion criteria provided. Collection method: clinical testing. Allele origin: germline. Affected: yes. Study: VKGL Data-share Consensus. Not counted in ClinVar's aggregate classification.

Literature cited by the submitters: PubMed 10571947 (cited by Athena Diagnostics).

NM_004700.4(KCNQ4):c.1188C>T (p.Pro396=)

Gene: KCNQ4 (potassium voltage-gated channel subfamily Q member 4; plus strand). Cytogenetic location: 1p34.2.
Variant type: single nucleotide variant.
Coding change: c.1188C>T on transcript NM_004700.4 (MANE Select); coding-DNA position 1188, C replaced by T.
Protein change: p.Pro396=; no amino-acid change (proline 396 retained).
Molecular consequence: synonymous variant. On other transcripts: intron variant (1).
Genome position (GRCh38, 1-based): chr1:40,824,154, C>T. VCF-style: chr1-40824154-C-T. GRCh37 (hg19) VCF-style: chr1-41289826-C-T.
Other names: c.1130+1752C>T (NM_172163.3).
Identifiers: ClinVar variation 45100 (VCV000045100.53), dbSNP rs189541861, ClinGen allele CA135526.